The following is an entry in ClinVar:

ClinVar aggregate classification (germline): Uncertain significance (1 of 4 stars; one submission).

Conditions:
Inborn genetic diseases. Identifiers: MedGen C0950123, MeSH D030342.

Submission:

Ambry Genetics
Classification: Uncertain significance for Inborn genetic diseases. Last evaluated: 2022-12-06. Review status: criteria provided, single submitter. Criteria: Ambry Variant Classification Scheme 2023. Collection method: clinical testing. Allele origin: germline.
Comment: The p.F639V variant (also known as c.1915T>G), located in coding exon 12 of the CDH2 gene, results from a T to G substitution at nucleotide position 1915. The phenylalanine at codon 639 is replaced by valine, an amino acid with highly similar properties. This amino acid position is conserved. In addition, this alteration is predicted to be deleterious by in silico analysis. Since supporting evidence is limited at this time, the clinical significance of this alteration remains unclear.

NM_001792.5(CDH2):c.1915T>G (p.Phe639Val)

Gene: CDH2 (cadherin 2; minus strand). Cytogenetic location: 18q12.1.
Variant type: single nucleotide variant.
Coding change: c.1915T>G on transcript NM_001792.5 (MANE Select); coding-DNA position 1915, T replaced by G.
Protein change: p.Phe639Val; replaces phenylalanine 639 with valine.
Molecular consequence: missense variant.
Genome position (GRCh38, 1-based): chr18:27,985,588, A>C on the plus strand (T>G on the coding strand, the complement: CDH2 is on the minus strand). VCF-style: chr18-27985588-A-C. GRCh37 (hg19) VCF-style: chr18-25565552-A-C.
Other names: c.1822T>G, p.Phe608Val (NM_001308176.2); short protein forms F608V, F639V.
Identifiers: ClinVar variation 2451002 (VCV002451002.2), dbSNP rs2510793070, ClinGen allele CA402107287.